The following is an entry in ClinVar:

ClinVar aggregate classification (germline): Likely benign (0 of 4 stars; one submission).

Conditions:
EP300-related disorder. Also called: EP300-related disorders; EP300-related condition.

gnomAD v4.1: 6 of 1,613,396 alleles (0.00037%); highest among the groups gnomAD compares: African/African-American, 0.0027%; no homozygotes.

Submission:

PreventionGenetics, part of Exact Sciences
Classification: Likely benign for EP300-related condition. Last evaluated: 2024-01-30. Review status: no assertion criteria provided. Collection method: clinical testing. Allele origin: germline.
Comment: This variant is classified as likely benign based on ACMG/AMP sequence variant interpretation guidelines (Richards et al. 2015 PMID: 25741868, with internal and published modifications).

NM_001429.4(EP300):c.7233A>G (p.Leu2411=)

Gene: EP300 (E1A binding protein p300; plus strand). Cytogenetic location: 22q13.2.
Variant type: single nucleotide variant.
Coding change: c.7233A>G on transcript NM_001429.4 (MANE Select); coding-DNA position 7233, A replaced by G.
Protein change: p.Leu2411=; no amino-acid change (leucine 2411 retained).
Molecular consequence: synonymous variant.
Genome position (GRCh38, 1-based): chr22:41,178,944, A>G. VCF-style: chr22-41178944-A-G. GRCh37 (hg19) VCF-style: chr22-41574948-A-G.
Other names: c.7155A>G, p.Leu2385= (NM_001362843.2).
Identifiers: ClinVar variation 3357831 (VCV003357831.1).